The following is an entry in ClinVar:

NM_054012.4(ASS1):c.773+6T>G

Gene: ASS1 (argininosuccinate synthase 1; plus strand). Cytogenetic location: 9q34.11.
Variant type: single nucleotide variant.
Coding change: c.773+6T>G on transcript NM_054012.4 (MANE Select); 6 bases into the intron after coding-DNA position 773, T replaced by G.
Molecular consequence: intron variant.
Genome position (GRCh38, 1-based): chr9:130,479,806, T>G. VCF-style: chr9-130479806-T-G. GRCh37 (hg19) VCF-style: chr9-133355193-T-G.
Other names: NC_000009.11:g.133355193T>G; c.773+6T>G (NM_000050.4).
Identifiers: ClinVar variation 2506166 (VCV002506166.4), dbSNP rs2490590165, ClinGen allele CA2580617110.

ClinVar aggregate classification (germline): Conflicting classifications of pathogenicity. Review status: criteria provided, conflicting classifications (1 of 4 stars). 2 submissions from 2 submitters: Likely pathogenic (1); Uncertain significance (1). Last evaluated 2025-01-14.

Conditions:
Citrullinemia type I (CTNL1). Also called: ASS DEFICIENCY; argininosuccinate synthetase deficiency. Identifiers: Orphanet 247525, MedGen C4721769, MONDO:0008988, OMIM 215700.

Submissions (3):

Natera, Inc.
Classification: Likely pathogenic for Citrullinemia type I. Last evaluated: 2025-01-14. Review status: criteria provided, single submitter. Criteria: Natera Variant Classification Schema (03/2026). Collection method: clinical testing. Allele origin: germline.
Comment: The c.773+6T>G variant in ASS1 is an intronic variant located outside the canonical splice sites. This variant is rare in the general population with a frequency below the threshold expected for the associated phenotype(s). This variant has been observed in one or more individuals affected with the associated recessive disease, as either homozygous or compound heterozygous with a second variant (PMID: 36263152). This variant has been identified in one or more affected individuals with a phenotype highly consistent with the associated gene (PMID: 36263152). Computational prediction algorithms indicate this variant is likely to affect gene or protein function. Given the available evidence, this variant is classified as Likely Pathogenic.

Women's Health and Genetics/Laboratory Corporation of America, LabCorp
Classification: Uncertain significance. Last evaluated: 2023-05-23. Review status: criteria provided, single submitter. Criteria: LabCorp Variant Classification Summary - May 2015. Collection method: clinical testing. Allele origin: germline.
Comment: Variant summary: ASS1 c.773+6T>G alters a conserved nucleotide located close to a canonical splice site and therefore could affect mRNA splicing, leading to a significantly altered protein sequence. Several computational tools predict a significant impact on normal splicing: Two predict the variant abolishes a 5' splicing donor site. Two predict the variant weakens a 5' donor site. However, these predictions have yet to be confirmed by functional studies. The variant was absent in 251438 control chromosomes. The available data on variant occurrences in the general population are insufficient to allow any conclusion about variant significance. c.773+6T>G has been reported in the literature in individuals affected with Citrullinemia Type I (Xiong_2022). These data do not allow any conclusion about variant significance. To our knowledge, no experimental evidence demonstrating an impact on protein function has been reported. The following publication have been ascertained in the context of this evaluation (PMID: 36263152). No clinical diagnostic laboratories have submitted clinical-significance assessments for this variant to ClinVar after 2014. Based on the evidence outlined above, the variant was classified as uncertain significance.

Dr. Peter K. Rogan Lab, Western University
No classification provided (evidence only). Condition: Ovarian serous cystadenocarcinoma. Review status: no classification provided. Collection method: in vitro. Allele origin: not applicable. Functional consequence: retained intron. Not counted in ClinVar's aggregate classification.

Literature cited by the submitters: PubMed 36263152 (cited by Natera, Inc. and Women's Health and Genetics/Laboratory Corporation of America, LabCorp).